The following is an entry in ClinVar:

ClinVar aggregate classification (germline): Likely benign. Review status: criteria provided, multiple submitters, no conflicts (2 of 4 stars). 2 submissions from 2 submitters: Likely benign (2). Last evaluated 2024-01-04.

Conditions:
RYR1-related disorder. Also called: RYR1-related condition; RYR1-related disorders. Identifiers: MedGen CN239331.
Malignant hyperthermia, susceptibility to, 1 (MHS1). Also called: Anesthesia related hyperthermia; Malignant hyperpyrexia; Fulminating hyperpyrexia; Pharmacogenic myopathy; Malignant hyperthermia suceptibility 1; RYR1-Related Malignant Hyperthermia Susceptibility. Identifiers: Orphanet 423, MedGen C2930980, MONDO:0007783, OMIM 145600.

Allele frequency attached by ClinVar (database versions not stated): gnomAD exomes 0.00002 and 0.00004; ExAC 0.00004; 1000 Genomes Project 30x 0.00016; 1000 Genomes Project 0.00020.
gnomAD v4.1: 28 of 1,611,826 alleles (0.0017%); highest among the groups gnomAD compares: South Asian, 0.026%; no homozygotes.

Submissions (2):

Labcorp Genetics (formerly Invitae), Labcorp
Classification: Likely benign for RYR1-related disorder. Last evaluated: 2024-01-04. Review status: criteria provided, single submitter. Criteria: Invitae Variant Classification Sherloc (09022015). Collection method: clinical testing. Allele origin: germline.

All of Us Research Program, National Institutes of Health
Classification: Likely benign for Malignant hyperthermia, susceptibility to, 1. Last evaluated: 2023-02-15. Review status: criteria provided, single submitter. Criteria: ACMG Guidelines, 2015. Collection method: clinical testing. Allele origin: germline. Inheritance: Autosomal dominant inheritance. Observed: 1 variant allele, 1 heterozygote.
Comment: This study involves interpretation of variants in research participants for the purpose of population health screening. Participant phenotype was not available at the time of variant classification. Additional details can be found in publication PMID: 35346344, PMCID: PMC8962531

NM_000540.3(RYR1):c.7666C>T (p.Leu2556=)

Gene: RYR1 (ryanodine receptor 1; plus strand). Cytogenetic location: 19q13.2.
Variant type: single nucleotide variant.
Coding change: c.7666C>T on transcript NM_000540.3 (MANE Select); coding-DNA position 7666, C replaced by T.
Protein change: p.Leu2556=; no amino-acid change (leucine 2556 retained).
Molecular consequence: synonymous variant.
Genome position (GRCh38, 1-based): chr19:38,502,558, C>T. VCF-style: chr19-38502558-C-T. GRCh37 (hg19) VCF-style: chr19-38993198-C-T.
Other names: c.7666C>T, p.Leu2556= (NM_001042723.2).
Identifiers: ClinVar variation 1128841 (VCV001128841.10), dbSNP rs138925222, ClinGen allele CA069936.